The following is an entry in ClinVar:

NM_003000.3(SDHB):c.765+1721_765+1726delinsTTTT

Gene: SDHB (succinate dehydrogenase complex iron sulfur subunit B; minus strand). Cytogenetic location: 1p36.13.
Variant type: Indel.
Coding change: c.765+1721_765+1726delinsTTTT on transcript NM_003000.3 (MANE Select); bases 1721 to 1726 of the intron after coding-DNA position 765, GAAACC replaced by TTTT.
Molecular consequence: intron variant.
Genome position (GRCh38, 1-based): chr1:17,020,882-17,020,887, GGTTTC replaced by AAAA on the plus strand (GAAACC replaced by TTTT on the coding strand, the reverse complement: SDHB is on the minus strand). VCF-style: chr1-17020882-GGTTTC-AAAA. GRCh37 (hg19) VCF-style: chr1-17347377-GGTTTC-AAAA.
Other names: c.711+1721_711+1726delinsTTTT (NM_001407361.1).
Identifiers: ClinVar variation 3316890 (VCV003316890.3).

ClinVar aggregate classification (germline): Uncertain significance. Review status: criteria provided, multiple submitters, no conflicts (2 of 4 stars). 2 submissions from 2 submitters: Uncertain significance (2). Last evaluated 2024-09-20.

Conditions:
Pheochromocytoma. Also called: MAX-Related Hereditary Paraganglioma-Pheochromocytoma Syndrome. Identifiers: Orphanet 29072, MedGen C0031511, MONDO:0008233, OMIM 171300, HP:0002666.
Gastrointestinal stromal tumor. Also called: Gastrointestinal stromal tumor, somatic; Gastrointestinal stroma tumor. Identifiers: Orphanet 44890, MedGen C0238198, MeSH D046152, MONDO:0011719, OMIM 606764, HP:0100723.
Pheochromocytoma/paraganglioma syndrome 4. Also called: CAROTID BODY TUMORS AND MULTIPLE EXTRAADRENAL PHEOCHROMOCYTOMAS; PARAGANGLIOMA, FAMILIAL MALIGNANT; PARAGANGLIOMAS, HEREDITARY EXTRAADRENAL; PHEOCHROMOCYTOMA, FAMILIAL EXTRAADRENAL; Paragangliomas 4; SDHB-Related Hereditary Paraganglioma-Pheochromocytoma Syndrome (Paragangliomas 4). Identifiers: Orphanet 29072, MedGen C1861848, MONDO:0007273, OMIM 115310.
Hereditary cancer-predisposing syndrome. Also called: Neoplastic Syndromes, Hereditary; Tumor predisposition; Hereditary Cancer Syndrome; Hereditary neoplastic syndrome. Identifiers: Orphanet 140162, MedGen C0027672, MeSH D009386, MONDO:0015356.

Submissions (2):

Labcorp Genetics (formerly Invitae), Labcorp
Classification: Uncertain significance for Gastrointestinal stromal tumor; Pheochromocytoma/paraganglioma syndrome 4; Pheochromocytoma. Last evaluated: 2024-09-20. Review status: criteria provided, single submitter. Criteria: Invitae Variant Classification Sherloc (09022015). Collection method: clinical testing. Allele origin: germline.
Comment: This sequence change falls in intron 7 of the SDHB gene. It does not directly change the encoded amino acid sequence of the SDHB protein. This variant is not present in population databases (gnomAD no frequency). This variant has not been reported in the literature in individuals affected with SDHB-related conditions. Studies have shown that this variant is associated with inconclusive altered splicing (internal data). In summary, the available evidence is currently insufficient to determine the role of this variant in disease. Therefore, it has been classified as a Variant of Uncertain Significance.

Ambry Genetics
Classification: Uncertain significance for Hereditary cancer-predisposing syndrome. Last evaluated: 2024-04-19. Review status: criteria provided, single submitter. Criteria: Ambry Variant Classification Scheme 2023. Collection method: clinical testing. Allele origin: germline.
Comment: The c.765+1721_765+1726delGAAACCinsTTTT intronic variant, located in intron 7 of the SDHB gene, results from an in-frame from the deletion of 6 nucleotides and the insertion of 4 nucleotides at nucleotide position 765. These nucleotide positions are not well conserved in available vertebrate species. In silico splice site analysis predicts that this alteration may result in the creation or strengthening of a novel splice acceptor site. RNA studies have demonstrated that this alteration results in a splice defect; the clinical impact of this abnormal splicing is unknown at this time (Ambry internal data). Based on the available evidence, the clinical significance of this variant remains unclear.